The following is an entry in ClinVar:

ClinVar aggregate classification (germline): Likely benign. Review status: criteria provided, multiple submitters, no conflicts (2 of 4 stars). 4 submissions from 4 submitters: Likely benign (2). 2 of the submissions do not count toward it. Last evaluated 2026-02-04.

Conditions:
Hypertrophic cardiomyopathy. Also called: HYPERTROPHIC MYOCARDIOPATHY. Identifiers: Orphanet 217569, MedGen C0007194, MeSH D002312, MONDO:0005045, HP:0001639.

Allele frequency attached by ClinVar (database versions not stated): TOPMed 0.00001; gnomAD exomes 0.00002.
gnomAD v4.1: 27 of 1,614,002 alleles (0.0017%); highest among the groups gnomAD compares: Non-Finnish European, 0.0022%; no homozygotes.

Submissions (4):

Labcorp Genetics (formerly Invitae), Labcorp
Classification: Likely benign for Hypertrophic cardiomyopathy. Last evaluated: 2026-02-04. Review status: criteria provided, single submitter. Criteria: Invitae Variant Classification Sherloc (09022015). Collection method: clinical testing. Allele origin: germline.

GeneDx
Classification: Likely benign. Last evaluated: 2017-06-22. Review status: criteria provided, single submitter. Criteria: GeneDx Variant Classification (06012015). Collection method: clinical testing. Allele origin: germline. Affected: yes.
Comment: This variant is considered likely benign or benign based on one or more of the following criteria: it is a conservative change, it occurs at a poorly conserved position in the protein, it is predicted to be benign by multiple in silico algorithms, and/or has population frequency not consistent with disease.

Clinical Genetics, Academic Medical Center
Classification: Benign. Review status: no assertion criteria provided. Collection method: clinical testing. Allele origin: germline. Affected: yes. Study: VKGL Data-share Consensus. Not counted in ClinVar's aggregate classification.

Joint Genome Diagnostic Labs from Nijmegen and Maastricht, Radboudumc and MUMC+
Classification: Likely benign. Review status: no assertion criteria provided. Collection method: clinical testing. Allele origin: germline. Affected: yes. Study: VKGL Data-share Consensus. Not counted in ClinVar's aggregate classification.

NM_000257.4(MYH7):c.502+18G>A

Gene: MYH7 (myosin heavy chain 7; minus strand). Cytogenetic location: 14q11.2.
Variant type: single nucleotide variant.
Coding change: c.502+18G>A on transcript NM_000257.4 (MANE Select); 18 bases into the intron after coding-DNA position 502, G replaced by A.
Molecular consequence: intron variant.
Genome position (GRCh38, 1-based): chr14:23,432,621, C>T on the plus strand (G>A on the coding strand, the complement: MYH7 is on the minus strand). VCF-style: chr14-23432621-C-T. GRCh37 (hg19) VCF-style: chr14-23901830-C-T.
Other names: c.502+18G>A (LRG_384t1).
Identifiers: ClinVar variation 506311 (VCV000506311.12), dbSNP rs912964540, ClinGen allele CA257826490.